The following is an entry in ClinVar:

NM_000834.5(GRIN2B):c.4322G>A (p.Arg1441His)

Gene: GRIN2B (glutamate ionotropic receptor NMDA type subunit 2B; minus strand). Cytogenetic location: 12p13.1.
Variant type: single nucleotide variant.
Coding change: c.4322G>A on transcript NM_000834.5 (MANE Select); coding-DNA position 4322, G replaced by A.
Protein change: p.Arg1441His; replaces arginine 1441 with histidine.
Molecular consequence: missense variant.
Genome position (GRCh38, 1-based): chr12:13,562,916, C>T on the plus strand (G>A on the coding strand, the complement: GRIN2B is on the minus strand). VCF-style: chr12-13562916-C-T. GRCh37 (hg19) VCF-style: chr12-13715850-C-T.
Other names: short protein forms R1441H.
Identifiers: ClinVar variation 506431 (VCV000506431.7), dbSNP rs200903876, ClinGen allele CA6460736.

ClinVar aggregate classification (germline): Benign/Likely benign. Review status: criteria provided, multiple submitters, no conflicts (2 of 4 stars). 2 submissions from 2 submitters: Benign (1); Likely benign (1). Last evaluated 2024-08-11.

Conditions:
Developmental and epileptic encephalopathy, 27 (DEE27). Also called: GRIN2B-Related Neurodevelopmental Disorder; Epileptic encephalopathy, early infantile, 27. Identifiers: Orphanet 3451, MedGen C4015316, MONDO:0014505, OMIM 616139.
Intellectual developmental disorder, autosomal dominant 6, with or without seizures. Also called: GRIN2B-related developmental delay, intellectual disability and autism spectrum disorder; Intellectual disability, autosomal dominant 6. Identifiers: Orphanet 589547, MedGen C3151411, MONDO:0013509, OMIM 613970.

Allele frequency attached by ClinVar (database versions not stated): TOPMed 0.00002; gnomAD 0.00001.
gnomAD v4.1: 9 of 1,614,100 alleles (0.00056%); highest among the groups gnomAD compares: Admixed American, 0.0033%; no homozygotes.

Submissions (2):

Labcorp Genetics (formerly Invitae), Labcorp
Classification: Benign for Developmental and epileptic encephalopathy, 27; Intellectual developmental disorder, autosomal dominant 6, with or without seizures. Last evaluated: 2024-08-11. Review status: criteria provided, single submitter. Criteria: Invitae Variant Classification Sherloc (09022015). Collection method: clinical testing. Allele origin: germline.

GeneDx
Classification: Likely benign. Last evaluated: 2017-12-19. Review status: criteria provided, single submitter. Criteria: GeneDx Variant Classification (06012015). Collection method: clinical testing. Allele origin: germline. Affected: yes.
Comment: This variant is considered likely benign or benign based on one or more of the following criteria: it is a conservative change, it occurs at a poorly conserved position in the protein, it is predicted to be benign by multiple in silico algorithms, and/or has population frequency not consistent with disease.